The following is an entry in ClinVar:

NC_000018.9:g.(?_29122463)_(29122835_?)del

Gene: DSG2 (desmoglein 2; plus strand). Cytogenetic location: 18q12.1.
Variant type: Deletion.
Identifiers: ClinVar variation 2424327 (VCV002424327.3).

ClinVar aggregate classification (germline): Uncertain significance (1 of 4 stars; one submission).

Conditions:
Arrhythmogenic right ventricular dysplasia 10. Also called: Arrhythmogenic Right Ventricular Dysplasia/Cardiomyopathy10; ARRHYTHMOGENIC RIGHT VENTRICULAR DYSPLASIA, FAMILIAL, 10; Arrhythmogenic right ventricular dysplasia/cardiomyopathy, type 10. Identifiers: MedGen C1857777, MONDO:0012434, OMIM 610193.

Submission:

Labcorp Genetics (formerly Invitae), Labcorp
Classification: Uncertain significance for Arrhythmogenic right ventricular dysplasia 10. Last evaluated: 2022-03-13. Review status: criteria provided, single submitter. Criteria: Invitae Variant Classification Sherloc (09022015). Collection method: clinical testing. Allele origin: germline.
Comment: In summary, the available evidence is currently insufficient to determine the role of this variant in disease. Therefore, it has been classified as a Variant of Uncertain Significance. This variant disrupts a region of the DSG2 protein in which other variant(s) (p.Gly678Ala) have been observed in individuals with DSG2-related conditions (PMID: 24070718). This suggests that this is a clinically significant region of the protein, and that variants that disrupt it are likely to be disease-causing. This variant has not been reported in the literature in individuals affected with DSG2-related conditions. This variant is a gross deletion of the genomic region encompassing exon(s) 14 of the DSG2 gene. This variant would be expected to be in-frame, preserving the integrity of the reading frame.

Literature cited by the submitters: PubMed 24070718.